The following is an entry in ClinVar:

NM_001267550.2(TTN):c.101262A>G (p.Gly33754=)

Genes: TTN (titin; minus strand), TTN-AS1 (TTN antisense RNA 1; plus strand). Cytogenetic location: 2q31.2.
Variant type: single nucleotide variant.
Coding change: c.101262A>G on transcript NM_001267550.2 (MANE Select); coding-DNA position 101262, A replaced by G.
Protein change: p.Gly33754=; no amino-acid change (glycine 33754 retained).
Molecular consequence: synonymous variant.
Genome position (GRCh38, 1-based): chr2:178,535,353, T>C on the plus strand (A>G on the coding strand, the complement: TTN is on the minus strand). VCF-style: chr2-178535353-T-C. GRCh37 (hg19) VCF-style: chr2-179400080-T-C.
Other names: p.Gly31186=; c.96339A>G, p.Gly32113= (NM_001256850.1); c.74067A>G, p.Gly24689= (NM_003319.4); c.93558A>G, p.Gly31186= (NM_133378.4); c.74442A>G, p.Gly24814= (NM_133432.3); c.74643A>G, p.Gly24881= (NM_133437.4).
Identifiers: ClinVar variation 283724 (VCV000283724.42), dbSNP rs374878689, ClinGen allele CA1985908.

ClinVar aggregate classification (germline): Conflicting classifications of pathogenicity. Review status: criteria provided, conflicting classifications (1 of 4 stars). 14 submissions from 10 submitters: Uncertain significance (4); Likely benign (10). Last evaluated 2026-09-21.

Conditions:
TTN-related disorder. Also called: TTN-related disorders; TTN-related condition; TTN-related disease.
Cardiovascular phenotype. Identifiers: MedGen CN230736.
Dilated cardiomyopathy 1G (CMD1G). Identifiers: Orphanet 154, MedGen C1858763, MONDO:0011400, OMIM 604145.
Autosomal recessive limb-girdle muscular dystrophy type 2J (LGMDR10). Also called: MUSCULAR DYSTROPHY, LIMB-GIRDLE, AUTOSOMAL RECESSIVE 10; Limb-girdle muscular dystrophy, type 2J. Identifiers: Orphanet 140922, MedGen C1837342, MONDO:0012127, OMIM 608807.
Early-onset myopathy with fatal cardiomyopathy (CMYO5). Also called: CONGENITAL MYOPATHY 5 WITH CARDIOMYOPATHY; Salih Myopathy. Identifiers: Orphanet 289377, MedGen C2673677, MONDO:0012714, OMIM 611705. Disease mechanism: loss of function.
Myopathy, myofibrillar, 9, with early respiratory failure (MFM9). Also called: EDSTROM MYOPATHY; Hereditary myopathy with early respiratory failure; MYOPATHY, PROXIMAL, WITH EARLY RESPIRATORY MUSCLE INVOLVEMENT; Myopathy, distal, with early respiratory failure, autosomal dominant. Identifiers: Orphanet 178464, Orphanet 34521, MedGen C1863599, MONDO:0011362, OMIM 603689.
Tibial muscular dystrophy (TMD). Also called: Udd Distal Myopathy – Tibial Muscular Dystrophy; UDD MYOPATHY; Tibial muscular dystrophy, tardive. Identifiers: Orphanet 609, MedGen C1838244, MONDO:0010870, OMIM 600334.

Allele frequency attached by ClinVar (database versions not stated): ExAC 0.00016; gnomAD exomes 0.00016 and 0.00043; gnomAD 0.00019; TOPMed 0.00025; ESP Exome Variant Server 0.00084.
gnomAD v4.1: 663 of 1,613,802 alleles (0.041%); highest among the groups gnomAD compares: Non-Finnish European, 0.052%; no homozygotes.

Submissions (14):

Molecular Diagnostic Laboratory for Inherited Cardiovascular Disease, Montreal Heart Institute
Classification: Likely benign. Last evaluated: 2026-09-21. Review status: criteria provided, single submitter. Criteria: ACMG Guidelines, 2015. Collection method: clinical testing. Allele origin: germline. Affected: no.
Comment: BS1;BP7

CeGaT Center for Human Genetics Tuebingen
Classification: Likely benign. Last evaluated: 2026-09-01. Review status: criteria provided, single submitter. Criteria: CeGaT Center For Human Genetics Tuebingen Variant Classification Criteria Version 2. Collection method: clinical testing. Allele origin: germline. Affected: yes. Observed: 2 variant alleles.
Comment: TTN: BP4, BP7

Labcorp Genetics (formerly Invitae), Labcorp
Classification: Likely benign for Dilated cardiomyopathy 1G; Autosomal recessive limb-girdle muscular dystrophy type 2J. Last evaluated: 2026-01-10. Review status: criteria provided, single submitter. Criteria: Invitae Variant Classification Sherloc (09022015). Collection method: clinical testing. Allele origin: germline.

PreventionGenetics, part of Exact Sciences
Classification: Likely benign for TTN-related condition. Last evaluated: 2025-06-10. Review status: criteria provided, single submitter. Criteria: ACMG Guidelines, 2015. Collection method: clinical testing. Allele origin: germline.
Comment: This variant is classified as likely benign based on ACMG/AMP sequence variant interpretation guidelines (Richards et al. 2015 PMID: 25741868, with internal and published modifications).

Mayo Clinic Laboratories, Mayo Clinic
Classification: Likely benign. Last evaluated: 2025-02-14. Review status: criteria provided, single submitter. Criteria: ACMG Guidelines, 2015. Collection method: clinical testing. Allele origin: germline. Observed: 2 variant alleles.
Comment: BP4, BP7

Blueprint Genetics
Classification: Likely benign. Last evaluated: 2024-02-07. Review status: criteria provided, single submitter. Criteria: ACMG Guidelines, 2015. Collection method: clinical testing. Allele origin: germline.

Ambry Genetics
Classification: Likely benign for Cardiovascular phenotype. Last evaluated: 2019-01-02. Review status: criteria provided, single submitter. Criteria: Ambry Variant Classification Scheme 2023. Collection method: clinical testing. Allele origin: germline.

Illumina Laboratory Services, Illumina
Classification: Likely benign for Myopathy, myofibrillar, 9, with early respiratory failure. Last evaluated: 2018-01-13. Review status: criteria provided, single submitter. Criteria: ICSL Variant Classification Criteria 13 December 2019. Collection method: clinical testing. Allele origin: germline.
Comment: This variant was observed in the ICSL laboratory as part of a predisposition screen in an ostensibly healthy population. It had not been previously curated by ICSL or reported in the Human Gene Mutation Database (HGMD: prior to June 1st, 2018), and was therefore a candidate for classification through an automated scoring system. Utilizing variant allele frequency, disease prevalence and penetrance estimates, and inheritance mode, an automated score was calculated to assess if this variant is too frequent to cause the disease. Based on the score and internal cut-off values, a variant classified as likely benign is not then subjected to further curation. The score for this variant resulted in a classification of likely benign for this disease.

Illumina Laboratory Services, Illumina
Classification: Uncertain significance for Dilated cardiomyopathy 1G. Last evaluated: 2018-01-13. Review status: criteria provided, single submitter. Criteria: ICSL Variant Classification Criteria 13 December 2019. Collection method: clinical testing. Allele origin: germline.

Illumina Laboratory Services, Illumina
Classification: Uncertain significance for Autosomal recessive limb-girdle muscular dystrophy type 2J. Last evaluated: 2018-01-13. Review status: criteria provided, single submitter. Criteria: ICSL Variant Classification Criteria 13 December 2019. Collection method: clinical testing. Allele origin: germline.

Illumina Laboratory Services, Illumina
Classification: Uncertain significance for Early-onset myopathy with fatal cardiomyopathy. Last evaluated: 2018-01-13. Review status: criteria provided, single submitter. Criteria: ICSL Variant Classification Criteria 13 December 2019. Collection method: clinical testing. Allele origin: germline.

Illumina Laboratory Services, Illumina
Classification: Likely benign for Tibial muscular dystrophy. Last evaluated: 2018-01-13. Review status: criteria provided, single submitter. Criteria: ICSL Variant Classification Criteria 13 December 2019. Collection method: clinical testing. Allele origin: germline.
Comment: the same text as in the submission from Illumina Laboratory Services, Illumina above.

Eurofins Ntd Llc (ga)
Classification: Uncertain significance. Last evaluated: 2017-02-02. Review status: criteria provided, single submitter. Criteria: EGL Classification Definitions 2015. Collection method: clinical testing. Allele origin: germline. Observed: 3 variant alleles, 3 heterozygotes.

GeneDx
Classification: Likely benign. Last evaluated: 2016-10-12. Review status: criteria provided, single submitter. Criteria: GeneDx Variant Classification (06012015). Collection method: clinical testing. Allele origin: germline. Affected: yes.
Comment: This variant is considered likely benign or benign based on one or more of the following criteria: it is a conservative change, it occurs at a poorly conserved position in the protein, it is predicted to be benign by multiple in silico algorithms, and/or has population frequency not consistent with disease.